The following is an entry in ClinVar:

ClinVar aggregate classification (germline): Uncertain significance. Review status: criteria provided, multiple submitters, no conflicts (2 of 4 stars). 5 submissions from 5 submitters: Uncertain significance (5). Last evaluated 2025-08-13.

Conditions:
Usher syndrome type 1 (USH1). Also called: RETINITIS PIGMENTOSA AND CONGENITAL DEAFNESS. Identifiers: Orphanet 231169, Orphanet 886, MedGen C1568247, MONDO:0010168, OMIM 276900.
Autosomal dominant nonsyndromic hearing loss 11. Identifiers: Orphanet 90635, MedGen C1832475, MONDO:0011032, OMIM 601317.
Autosomal recessive nonsyndromic hearing loss 2. Also called: DEAFNESS, AUTOSOMAL RECESSIVE 2; NEUROSENSORY NONSYNDROMIC RECESSIVE DEAFNESS 2. Identifiers: Orphanet 90636, MedGen C1838701, MONDO:0010807, OMIM 600060.
Inborn genetic diseases. Identifiers: MedGen C0950123, MeSH D030342.

Allele frequency attached by ClinVar (database versions not stated): ExAC 0.00001; gnomAD exomes 0.00001; gnomAD 0.00002; TOPMed 0.00003.
gnomAD v4.1: 15 of 1,613,342 alleles (0.00093%); highest among the groups gnomAD compares: South Asian, 0.0033%; no homozygotes.

Submissions (5):

GeneDx
Classification: Uncertain significance. Last evaluated: 2025-08-13. Review status: criteria provided, single submitter. Criteria: GeneDx Variant Classification Process June 2021. Collection method: clinical testing. Allele origin: germline. Affected: yes.
Comment: In silico analysis supports that this missense variant has a deleterious effect on protein structure/function; Has not been previously published as pathogenic or benign to our knowledge

Labcorp Genetics (formerly Invitae), Labcorp
Classification: Uncertain significance. Last evaluated: 2025-06-10. Review status: criteria provided, single submitter. Criteria: Invitae Variant Classification Sherloc (09022015). Collection method: clinical testing. Allele origin: germline.
Comment: This sequence change replaces aspartic acid, which is acidic and polar, with asparagine, which is neutral and polar, at codon 1869 of the MYO7A protein (p.Asp1869Asn). This variant is present in population databases (rs768364790, gnomAD 0.007%). This variant has not been reported in the literature in individuals affected with MYO7A-related conditions. ClinVar contains an entry for this variant (Variation ID: 2212807). Invitae Evidence Modeling of protein sequence and biophysical properties (such as structural, functional, and spatial information, amino acid conservation, physicochemical variation, residue mobility, and thermodynamic stability) has been performed for this missense variant. However, the output from this modeling did not meet the statistical confidence thresholds required to predict the impact of this variant on MYO7A protein function. In summary, the available evidence is currently insufficient to determine the role of this variant in disease. Therefore, it has been classified as a Variant of Uncertain Significance.

Ambry Genetics
Classification: Uncertain significance for Inborn genetic diseases. Last evaluated: 2022-07-26. Review status: criteria provided, single submitter. Criteria: Ambry Variant Classification Scheme 2023. Collection method: clinical testing. Allele origin: germline.

Clinical Genetics Laboratory, Skane University Hospital Lund
Classification: Uncertain significance. Last evaluated: 2022-05-27. Review status: criteria provided, single submitter. Criteria: ACMG Guidelines, 2015. Collection method: clinical testing. Allele origin: germline. Affected: yes.

Juno Genomics, Hangzhou Juno Genomics, Inc
Classification: Uncertain significance for Usher syndrome type 1; Autosomal recessive nonsyndromic hearing loss 2; Autosomal dominant nonsyndromic hearing loss 11. Review status: criteria provided, single submitter. Criteria: ACMG Guidelines, 2015. Collection method: clinical testing. Allele origin: germline. Affected: yes.
Comment: Absent from controls (or at extremely low frequency if recessive) in Genome Aggregation Database, Exome Sequencing Project, 1000 Genomes Project, or Exome Aggregation Consortium.;Multiple lines of computational evidence support a deleterious effect on the gene or gene product (conservation, evolutionary, splicing impact, etc).

NM_000260.4(MYO7A):c.5605G>A (p.Asp1869Asn)

Gene: MYO7A (myosin VIIA; plus strand). Cytogenetic location: 11q13.5.
Variant type: single nucleotide variant.
Coding change: c.5605G>A on transcript NM_000260.4 (MANE Select); coding-DNA position 5605, G replaced by A.
Protein change: p.Asp1869Asn; replaces aspartic acid 1869 with asparagine.
Molecular consequence: missense variant.
Genome position (GRCh38, 1-based): chr11:77,205,586, G>A. VCF-style: chr11-77205586-G-A. GRCh37 (hg19) VCF-style: chr11-76916631-G-A.
Other names: c.5491G>A, p.Asp1831Asn (NM_001127180.2); c.5458G>A, p.Asp1820Asn (NM_001369365.1); short protein forms D1820N, D1831N, D1869N.
Identifiers: ClinVar variation 2212807 (VCV002212807.7), dbSNP rs768364790, ClinGen allele CA6198757.